The following is an entry in ClinVar:

ClinVar aggregate classification (germline): Benign/Likely benign. Review status: criteria provided, multiple submitters, no conflicts (2 of 4 stars). 7 submissions from 7 submitters: Benign (2); Likely benign (4). 1 of the submissions does not count toward it. Last evaluated 2025-11-01.

Conditions:
APC-related disorder. Also called: APC-related condition.
Familial adenomatous polyposis 1 (FAP1). Also called: FAMILIAL ADENOMATOUS POLYPOSIS 1, ATTENUATED; POLYPOSIS, ADENOMATOUS INTESTINAL. Identifiers: MedGen C2713442, MONDO:0021056, OMIM 175100. Disease mechanism: loss of function.
Hereditary cancer-predisposing syndrome. Also called: Hereditary Cancer Syndrome; Tumor predisposition; Neoplastic Syndromes, Hereditary; Hereditary neoplastic syndrome. Identifiers: Orphanet 140162, MedGen C0027672, MeSH D009386, MONDO:0015356.

Allele frequency attached by ClinVar (database versions not stated): gnomAD exomes below 0.00001.
gnomAD v4.1: 2 of 1,614,104 alleles (0.00012%); highest among the groups gnomAD compares: East Asian, 0.0022%; no homozygotes.

Submissions (7):

Labcorp Genetics (formerly Invitae), Labcorp
Classification: Likely benign for Familial adenomatous polyposis 1. Last evaluated: 2025-11-01. Review status: criteria provided, single submitter. Criteria: Invitae Variant Classification Sherloc (09022015). Collection method: clinical testing. Allele origin: germline.

CeGaT Center for Human Genetics Tuebingen
Classification: Likely benign. Last evaluated: 2025-08-01. Review status: criteria provided, single submitter. Criteria: CeGaT Center For Human Genetics Tuebingen Variant Classification Criteria Version 2. Collection method: clinical testing. Allele origin: germline. Affected: yes. Observed: 1 variant allele.
Comment: APC: BP4, BP7

Myriad Genetics, Inc.
Classification: Benign for Familial adenomatous polyposis 1. Last evaluated: 2024-04-09. Review status: criteria provided, single submitter. Criteria: Myriad Autosomal Dominant, Autosomal Recessive and X-Linked Classification Criteria (2023). Collection method: clinical testing. Allele origin: unknown.
Comment: This variant is considered benign. This variant is a silent/synonymous amino acid change and it is not expected to impact splicing.

Ambry Genetics
Classification: Likely benign for Hereditary cancer-predisposing syndrome. Last evaluated: 2019-07-18. Review status: criteria provided, single submitter. Criteria: Ambry Variant Classification Scheme 2023. Collection method: clinical testing. Allele origin: germline.

Quest Diagnostics Nichols Institute San Juan Capistrano
Classification: Likely benign. Last evaluated: 2019-06-07. Review status: criteria provided, single submitter. Criteria: Quest Diagnostics criteria. Collection method: clinical testing. Allele origin: germline.

GeneDx
Classification: Benign. Last evaluated: 2015-03-09. Review status: criteria provided, single submitter. Criteria: GeneDx Variant Classification Process June 2021. Collection method: clinical testing. Allele origin: germline. Affected: yes.

PreventionGenetics, part of Exact Sciences
Classification: Likely benign for APC-related condition. Last evaluated: 2019-05-13. Review status: no assertion criteria provided. Collection method: clinical testing. Allele origin: germline. Not counted in ClinVar's aggregate classification.
Comment: This variant is classified as likely benign based on ACMG/AMP sequence variant interpretation guidelines (Richards et al. 2015 PMID: 25741868, with internal and published modifications).

NM_000038.6(APC):c.7308A>G (p.Val2436=)

Gene: APC (APC regulator of Wnt signaling pathway; plus strand). Cytogenetic location: 5q22.2.
Variant type: single nucleotide variant.
Coding change: c.7308A>G on transcript NM_000038.6 (MANE Select); coding-DNA position 7308, A replaced by G.
Protein change: p.Val2436=; no amino-acid change (valine 2436 retained).
Molecular consequence: synonymous variant.
Genome position (GRCh38, 1-based): chr5:112,842,902, A>G. VCF-style: chr5-112842902-A-G. GRCh37 (hg19) VCF-style: chr5-112178599-A-G.
Other names: c.7308A>G, p.Val2436= (NM_001127510.3, NM_001354895.2); c.7254A>G, p.Val2418= (NM_001127511.3); c.7362A>G, p.Val2454= (NM_001354896.2); c.7338A>G, p.Val2446= (NM_001354897.2); c.7233A>G, p.Val2411= (NM_001354898.2); c.7224A>G, p.Val2408= (NM_001354899.2); c.7185A>G, p.Val2395= (NM_001354900.2); c.7131A>G, p.Val2377= (NM_001354901.2); and 5 more.
Identifiers: ClinVar variation 537593 (VCV000537593.29), dbSNP rs1220693522, ClinGen allele CA446210251.